The following is an entry in ClinVar:

ClinVar aggregate classification (germline): Uncertain significance (1 of 4 stars; one submission).

Conditions:
Hereditary cancer-predisposing syndrome. Also called: Tumor predisposition; Hereditary Cancer Syndrome; Hereditary neoplastic syndrome; Neoplastic Syndromes, Hereditary. Identifiers: Orphanet 140162, MedGen C0027672, MeSH D009386, MONDO:0015356.

Submissions (2):

Ambry Genetics
Classification: Uncertain significance for Hereditary cancer-predisposing syndrome. Last evaluated: 2017-07-05. Review status: criteria provided, single submitter. Criteria: Ambry Variant Classification Scheme 2023. Collection method: clinical testing. Allele origin: germline.
Comment: The p.D1813Y variant (also known as c.5437G>T), located in coding exon 21 of the BRCA1 gene, results from a G to T substitution at nucleotide position 5437. The aspartic acid at codon 1813 is replaced by tyrosine, an amino acid with highly dissimilar properties. This amino acid position is well conserved on limited sequence alignment. In addition, this alteration is predicted to be deleterious by in silico analysis. Since supporting evidence is limited at this time, the clinical significance of this alteration remains unclear.

Brotman Baty Institute, University of Washington
No classification provided (evidence only). Condition: Breast-ovarian cancer, familial 1. Review status: no classification provided. Collection method: in vitro. Allele origin: not applicable. Functional consequence: function_uncertain_variant. Not counted in ClinVar's aggregate classification.
ClinVar note: "not provided" was previously submitted as the classification for the variant. However, the classification appeared to be based only on an observation of functional data so it was converted to no classification on 2025-07-30.

NM_007294.4(BRCA1):c.5437G>T (p.Asp1813Tyr)

Gene: BRCA1 (BRCA1 DNA repair associated; minus strand). Cytogenetic location: 17q21.31.
Variant type: single nucleotide variant.
Coding change: c.5437G>T on transcript NM_007294.4 (MANE Select); coding-DNA position 5437, G replaced by T.
Protein change: p.Asp1813Tyr; replaces aspartic acid 1813 with tyrosine.
Molecular consequence: missense variant. On other transcripts: non-coding transcript variant (1).
Genome position (GRCh38, 1-based): chr17:43,047,673, C>A on the plus strand (G>T on the coding strand, the complement: BRCA1 is on the minus strand). VCF-style: chr17-43047673-C-A. GRCh37 (hg19) VCF-style: chr17-41199690-C-A.
Other names: c.5224G>T, p.Asp1742Tyr (NM_001407571.1, NM_001407895.1, NM_001407896.1 and 12 more transcripts); c.5503G>T, p.Asp1835Tyr (NM_001407581.1, NM_001407582.1); c.5500G>T, p.Asp1834Tyr (NM_001407583.1, NM_001407585.1, NM_001407587.1 and 1 more transcripts); c.5497G>T, p.Asp1833Tyr (NM_001407590.1, NM_001407591.1); c.5437G>T, p.Asp1813Tyr (NM_001407593.1, NM_001407594.1, NM_001407596.1 and 5 more transcripts); c.5434G>T, p.Asp1812Tyr (NM_001407610.1, NM_001407611.1, NM_001407612.1 and 14 more transcripts); c.5431G>T, p.Asp1811Tyr (NM_001407627.1, NM_001407628.1, NM_001407629.1 and 13 more transcripts); c.5428G>T, p.Asp1810Tyr (NM_001407644.1, NM_001407645.1); and 83 more; short protein forms D1813Y, D1766Y, D1834Y, D709Y, R684I, D1644Y, D1659Y, D1723Y.
Identifiers: ClinVar variation 479266 (VCV000479266.8), dbSNP rs1303996018, ClinGen allele CA10590549.
Genomic context (GRCh38, chr17:43,047,673, plus strand): 5'-ATATAGCACAGGTACATGCAGGCACCTTACCATGGAAGCCATTGTCCTCTGTCCAGGCAT[C>A]TGGCTGCACAACCACAATTGGGTGGACACCCTGGATCCCCAGGAAGGAAAGAGCATTCAA-3'
Protein context (NP_009225.1, residues 1803-1823): GVHPIVVVQP[Asp1813Tyr]AWTEDNGFHA